The following is an entry in ClinVar:

NM_000535.7(PMS2):c.1148A>G (p.Asn383Ser)

Gene: PMS2 (PMS1 homolog 2, mismatch repair system component; minus strand). Cytogenetic location: 7p22.1.
Variant type: single nucleotide variant.
Coding change: c.1148A>G on transcript NM_000535.7 (MANE Select); coding-DNA position 1148, A replaced by G.
Protein change: p.Asn383Ser; replaces asparagine 383 with serine.
Molecular consequence: missense variant. On other transcripts: non-coding transcript variant (1).
Genome position (GRCh38, 1-based): chr7:5,987,617, T>C on the plus strand (A>G on the coding strand, the complement: PMS2 is on the minus strand). VCF-style: chr7-5987617-T-C. GRCh37 (hg19) VCF-style: chr7-6027248-T-C.
Other names: c.743A>G, p.Asn248Ser (NM_001322003.2, NM_001322004.2, NM_001322005.2 and 1 more transcripts); c.992A>G, p.Asn331Ser (NM_001322006.2); c.830A>G, p.Asn277Ser (NM_001322007.2, NM_001322008.2); c.587A>G, p.Asn196Ser (NM_001322010.2); c.215A>G, p.Asn72Ser (NM_001322011.2, NM_001322012.2); c.575A>G, p.Asn192Ser (NM_001322013.2); c.1148A>G, p.Asn383Ser (NM_001322014.2); c.839A>G, p.Asn280Ser (NM_001322015.2); short protein forms N383S, N248S, N280S, N331S, N72S, N192S, N196S, N277S.
Identifiers: ClinVar variation 579984 (VCV000579984.12), dbSNP rs1562637184, ClinGen allele CA366742700.

ClinVar aggregate classification (germline): Uncertain significance. Review status: criteria provided, multiple submitters, no conflicts (2 of 4 stars). 2 submissions from 2 submitters: Uncertain significance (2). Last evaluated 2024-11-20.

Conditions:
Hereditary nonpolyposis colorectal neoplasms. Identifiers: MedGen C0009405, MeSH D003123.
Hereditary cancer-predisposing syndrome. Also called: Neoplastic Syndromes, Hereditary; Tumor predisposition; Hereditary neoplastic syndrome; Hereditary Cancer Syndrome. Identifiers: Orphanet 140162, MedGen C0027672, MeSH D009386, MONDO:0015356.

Submissions (2):

Ambry Genetics
Classification: Uncertain significance for Hereditary cancer-predisposing syndrome. Last evaluated: 2024-11-20. Review status: criteria provided, single submitter. Criteria: Ambry Variant Classification Scheme 2023. Collection method: clinical testing. Allele origin: germline.
Comment: The p.N383S variant (also known as c.1148A>G), located in coding exon 11 of the PMS2 gene, results from an A to G substitution at nucleotide position 1148. The asparagine at codon 383 is replaced by serine, an amino acid with highly similar properties. This amino acid position is not well conserved in available vertebrate species. In addition, this alteration is predicted to be tolerated by in silico analysis. Based on the available evidence, the clinical significance of this variant remains unclear.

Labcorp Genetics (formerly Invitae), Labcorp
Classification: Uncertain significance for Hereditary nonpolyposis colorectal neoplasms. Last evaluated: 2018-03-22. Review status: criteria provided, single submitter. Criteria: Invitae Variant Classification Sherloc (09022015). Collection method: clinical testing. Allele origin: germline.
Comment: This sequence change replaces asparagine with serine at codon 383 of the PMS2 protein (p.Asn383Ser). The asparagine residue is weakly conserved and there is a small physicochemical difference between asparagine and serine. This variant is not present in population databases (ExAC no frequency). This variant has not been reported in the literature in individuals with PMS2-related disease. Algorithms developed to predict the effect of missense changes on protein structure and function (SIFT, PolyPhen-2, Align-GVGD) all suggest that this variant is likely to be tolerated, but these predictions have not been confirmed by published functional studies and their clinical significance is uncertain. In summary, the available evidence is currently insufficient to determine the role of this variant in disease. Therefore, it has been classified as a Variant of Uncertain Significance.